The following is an entry in ClinVar:

ClinVar aggregate classification (germline): Uncertain significance (1 of 4 stars; one submission).

Allele frequency attached by ClinVar (database versions not stated): gnomAD exomes 0.00001; ExAC 0.00003; TOPMed 0.00003; gnomAD 0.00004; 1000 Genomes Project 0.00040; 1000 Genomes Project 30x 0.00047.
gnomAD v4.1: 22 of 1,613,688 alleles (0.0014%); highest among the groups gnomAD compares: Admixed American, 0.0033%; no homozygotes.

Submission:

Labcorp Genetics (formerly Invitae), Labcorp
Classification: Uncertain significance. Last evaluated: 2023-10-23. Review status: criteria provided, single submitter. Criteria: Invitae Variant Classification Sherloc (09022015). Collection method: clinical testing. Allele origin: germline.
Comment: This sequence change replaces proline, which is neutral and non-polar, with leucine, which is neutral and non-polar, at codon 581 of the AK7 protein (p.Pro581Leu). This variant is present in population databases (rs201624359, gnomAD 0.006%). This variant has not been reported in the literature in individuals affected with AK7-related conditions. Advanced modeling of protein sequence and biophysical properties (such as structural, functional, and spatial information, amino acid conservation, physicochemical variation, residue mobility, and thermodynamic stability) performed at Invitae indicates that this missense variant is not expected to disrupt AK7 protein function with a negative predictive value of 80%. In summary, the available evidence is currently insufficient to determine the role of this variant in disease. Therefore, it has been classified as a Variant of Uncertain Significance.

NM_152327.5(AK7):c.1742C>T (p.Pro581Leu)

Gene: AK7 (adenylate kinase 7; plus strand). Cytogenetic location: 14q32.2.
Variant type: single nucleotide variant.
Coding change: c.1742C>T on transcript NM_152327.5 (MANE Select); coding-DNA position 1742, C replaced by T.
Protein change: p.Pro581Leu; replaces proline 581 with leucine.
Molecular consequence: missense variant.
Genome position (GRCh38, 1-based): chr14:96,478,651, C>T. VCF-style: chr14-96478651-C-T. GRCh37 (hg19) VCF-style: chr14-96944988-C-T.
Other names: c.1673C>T, p.Pro558Leu (NM_001350888.2, NM_001350890.2); c.1664C>T, p.Pro555Leu (NM_001350891.2); c.1544C>T, p.Pro515Leu (NM_001350892.2); short protein forms P555L, P581L, P515L, P558L.
Identifiers: ClinVar variation 3021952 (VCV003021952.2), dbSNP rs201624359, ClinGen allele CA7337936.